The following is an entry in ClinVar:

ClinVar aggregate classification (germline): Uncertain significance. Review status: criteria provided, multiple submitters, no conflicts (2 of 4 stars). 2 submissions from 2 submitters: Uncertain significance (2). Last evaluated 2024-11-25.

Allele frequency attached by ClinVar (database versions not stated): gnomAD exomes below 0.00001; ExAC 0.00001.
gnomAD v4.1: 2 of 1,614,190 alleles (0.00012%); highest among the groups gnomAD compares: Non-Finnish European, 0.00017%; no homozygotes.

Submissions (2):

Ambry Genetics
Classification: Uncertain significance. Last evaluated: 2024-11-25. Review status: criteria provided, single submitter. Criteria: Ambry Variant Classification Scheme 2023. Collection method: clinical testing. Allele origin: germline.
Comment: The p.S577R variant (also known as c.1731T>A), located in coding exon 12 of the RINT1 gene, results from a T to A substitution at nucleotide position 1731. The serine at codon 577 is replaced by arginine, an amino acid with dissimilar properties. This amino acid position is conserved. In addition, this alteration is predicted to be tolerated by in silico analysis. Since supporting evidence is limited at this time, the clinical significance of this alteration remains unclear.

Labcorp Genetics (formerly Invitae), Labcorp
Classification: Uncertain significance. Last evaluated: 2021-07-08. Review status: criteria provided, single submitter. Criteria: Invitae Variant Classification Sherloc (09022015). Collection method: clinical testing. Allele origin: germline.
Comment: This sequence change replaces serine with arginine at codon 577 of the RINT1 protein (p.Ser577Arg). The serine residue is highly conserved and there is a moderate physicochemical difference between serine and arginine. This variant is present in population databases (rs751497758, ExAC 0.001%). This variant has not been reported in the literature in individuals with RINT1-related disease. Algorithms developed to predict the effect of missense changes on protein structure and function do not agree on the potential impact of this missense change (SIFT: "Deleterious"; PolyPhen-2: "Probably Damaging"; Align-GVGD: "Class C0"). In summary, the available evidence is currently insufficient to determine the role of this variant in disease. Therefore, it has been classified as a Variant of Uncertain Significance.

NM_021930.6(RINT1):c.1731T>A (p.Ser577Arg)

Gene: RINT1 (RAD50 interactor 1; plus strand). Cytogenetic location: 7q22.3.
Variant type: single nucleotide variant.
Coding change: c.1731T>A on transcript NM_021930.6 (MANE Select); coding-DNA position 1731, T replaced by A.
Protein change: p.Ser577Arg; replaces serine 577 with arginine.
Molecular consequence: missense variant. On other transcripts: non-coding transcript variant (1).
Genome position (GRCh38, 1-based): chr7:105,563,792, T>A. VCF-style: chr7-105563792-T-A. GRCh37 (hg19) VCF-style: chr7-105204239-T-A.
Other names: c.807T>A, p.Ser269Arg (NM_001346601.2); c.708T>A, p.Ser236Arg (NM_001346603.2, NM_001346600.2); c.1497T>A, p.Ser499Arg (NM_001346599.2); c.1731T>A (NM_021930.4); short protein forms S236R, S269R, S499R, S577R.
Identifiers: ClinVar variation 1022309 (VCV001022309.11), dbSNP rs751497758, ClinGen allele CA4426762.